The following is an entry in ClinVar:

NM_004385.5(VCAN):c.9076A>G (p.Ile3026Val)

Genes: VCAN-AS1 (VCAN antisense RNA 1; minus strand), VCAN (versican; plus strand). Cytogenetic location: 5q14.3.
Variant type: single nucleotide variant.
Coding change: c.9076A>G on transcript NM_004385.5 (MANE Select); coding-DNA position 9076, A replaced by G.
Protein change: p.Ile3026Val; replaces isoleucine 3026 with valine.
Molecular consequence: missense variant. On other transcripts: intron variant (2).
Genome position (GRCh38, 1-based): chr5:83,542,079, A>G. VCF-style: chr5-83542079-A-G. GRCh37 (hg19) VCF-style: chr5-82837898-A-G.
Other names: c.6115A>G, p.Ile2039Val (NM_001164097.2); c.4004-3458A>G (NM_001164098.2); c.1043-3458A>G (NM_001126336.3); short protein forms I2039V, I3026V.
Identifiers: ClinVar variation 943660 (VCV000943660.9), dbSNP rs1747026191, ClinGen allele CA360294877.

ClinVar aggregate classification (germline): Uncertain significance (1 of 4 stars; one submission).

Allele frequency attached by ClinVar (database versions not stated): gnomAD exomes below 0.00001.
gnomAD v4.1: 1 of 1,613,792 alleles (0.000062%); highest among the groups gnomAD compares: Non-Finnish European, 0.000085%; no homozygotes.

Submission:

Labcorp Genetics (formerly Invitae), Labcorp
Classification: Uncertain significance. Last evaluated: 2024-06-24. Review status: criteria provided, single submitter. Criteria: Invitae Variant Classification Sherloc (09022015). Collection method: clinical testing. Allele origin: germline.
Comment: This sequence change replaces isoleucine, which is neutral and non-polar, with valine, which is neutral and non-polar, at codon 3026 of the VCAN protein (p.Ile3026Val). This variant is not present in population databases (gnomAD no frequency). This variant has not been reported in the literature in individuals affected with VCAN-related conditions. ClinVar contains an entry for this variant (Variation ID: 943660). Algorithms developed to predict the effect of missense changes on protein structure and function output the following: SIFT: "Not Available"; PolyPhen-2: "Benign"; Align-GVGD: "Not Available". The valine amino acid residue is found in multiple mammalian species, which suggests that this missense change does not adversely affect protein function. In summary, the available evidence is currently insufficient to determine the role of this variant in disease. Therefore, it has been classified as a Variant of Uncertain Significance.